The following is an entry in ClinVar:

NM_014967.5(FAN1):c.929C>G (p.Ser310Ter)

Gene: FAN1 (FANCD2 and FANCI associated nuclease 1; plus strand). Cytogenetic location: 15q13.3.
Variant type: single nucleotide variant.
Coding change: c.929C>G on transcript NM_014967.5 (MANE Select); coding-DNA position 929, C replaced by G.
Protein change: p.Ser310Ter; replaces serine 310 with a stop codon.
Molecular consequence: nonsense.
Genome position (GRCh38, 1-based): chr15:30,905,592, C>G. VCF-style: chr15-30905592-C-G. GRCh37 (hg19) VCF-style: chr15-31197795-C-G.
Other names: c.929C>G, p.Ser310Ter (NM_001146094.2, NM_001146095.1, NM_001146096.2); short protein forms S310*.
Identifiers: ClinVar variation 3350994 (VCV003350994.1).
Genomic context (GRCh38, chr15:30,905,592, plus strand): 5'-AAGAAGTGGTTGAAAAACGTGAGGCATGTCATTGTGAAGAAGTAAAAATGACTGTTGCTT[C>G]AGAAGCTAAAATACAGCTGTCAGATTCAGAGGCAAAATCTCATAGTTCTGCAGATGATGC-3'

ClinVar aggregate classification (germline): Likely pathogenic (0 of 4 stars; one submission).

Conditions:
FAN1-related disorder. Also called: FAN1-related condition.

gnomAD v4.1: 128 of 1,613,934 alleles (0.0079%); highest among the groups gnomAD compares: Non-Finnish European, 0.0079%; no homozygotes.

Submission:

PreventionGenetics, part of Exact Sciences
Classification: Likely pathogenic for FAN1-related condition. Last evaluated: 2024-06-25. Review status: no assertion criteria provided. Collection method: clinical testing. Allele origin: germline.
Comment: The FAN1 c.929C>G variant is predicted to result in premature protein termination (p.Ser310*). This variant has been reported in the heterozygous state in an individual with cardiovascular disease (Table S1, Glicksberg et al. 2019. PubMed ID: 31345219). This variant is reported in 0.068% of alleles in individuals of European (Finnish) descent in gnomAD. Nonsense variants in FAN1 are expected to be pathogenic for autosomal recessive disease. This variant is interpreted as likely pathogenic.